The following is an entry in ClinVar:

ClinVar aggregate classification (germline): Uncertain significance (1 of 4 stars; one submission).

Conditions:
Age related macular degeneration 4. Identifiers: MedGen C1853147, MONDO:0012540, OMIM 610698.

gnomAD v4.1: 6 of 1,611,450 alleles (0.00037%); highest among the groups gnomAD compares: Non-Finnish European, 0.00051%; no homozygotes.

Submission:

Genomenon, Inc
Classification: Uncertain significance for Age related macular degeneration 4. Last evaluated: 2025-10-02. Review status: criteria provided, single submitter. Criteria: Genomenon Sequence Variant Interpretation Standards - Updated. Collection method: curation. Allele origin: germline. Affected: yes.
Comment: CFH p.Pro562His (c.1685C>A) is a missense variant that changes the amino acid at residue 562 from Proline to Histidine. This variant has been observed in at least one proband affected with age-related macular degeneration (PMID:26501415;29686068). It is absent or not present at a significant frequency in gnomAD. In conclusion, we classify CFH p.Pro562His (c.1685C>A) as a variant of uncertain significance.

Literature cited by the submitters: PubMed 26501415; PubMed 29686068.

NM_000186.4(CFH):c.1685C>A (p.Pro562His)

Gene: CFH (complement factor H; plus strand). Cytogenetic location: 1q31.3.
Variant type: single nucleotide variant.
Coding change: c.1685C>A on transcript NM_000186.4 (MANE Select); coding-DNA position 1685, C replaced by A.
Protein change: p.Pro562His; replaces proline 562 with histidine.
Molecular consequence: missense variant.
Genome position (GRCh38, 1-based): chr1:196,715,758, C>A. VCF-style: chr1-196715758-C-A. GRCh37 (hg19) VCF-style: chr1-196684888-C-A.
Other names: short protein forms P562H.
Identifiers: ClinVar variation 4291409 (VCV004291409.1).